The following is an entry in ClinVar:

NM_005045.4(RELN):c.4589-4T>A

Gene: RELN (reelin; minus strand). Cytogenetic location: 7q22.1.
Variant type: single nucleotide variant.
Coding change: c.4589-4T>A on transcript NM_005045.4 (MANE Select); 4 bases into the intron before coding-DNA position 4589, T replaced by A.
Molecular consequence: intron variant.
Genome position (GRCh38, 1-based): chr7:103,566,763, A>T on the plus strand (T>A on the coding strand, the complement: RELN is on the minus strand). VCF-style: chr7-103566763-A-T. GRCh37 (hg19) VCF-style: chr7-103207210-A-T.
Other names: c.4589-4T>A (NM_005045.3, NM_173054.3).
Identifiers: ClinVar variation 1971265 (VCV001971265.6), dbSNP rs780638720, ClinGen allele CA4421460.

ClinVar aggregate classification (germline): Likely benign. Review status: criteria provided, multiple submitters, no conflicts (2 of 4 stars). 2 submissions from 2 submitters: Likely benign (2). Last evaluated 2024-12-12.

Conditions:
RELN-related disorder. Also called: RELN-related condition.
Norman-Roberts syndrome (LIS2). Also called: Lissencephaly 2 (Norman-Roberts type). Identifiers: Orphanet 89844, MedGen C0796089, MONDO:0009760, OMIM 257320.
Familial temporal lobe epilepsy 7. Identifiers: Orphanet 101046, MedGen C4225327, MONDO:0014639, OMIM 616436.

Allele frequency attached by ClinVar (database versions not stated): TOPMed 0.00004.
gnomAD v4.1: 19 of 1,613,748 alleles (0.0012%); highest among the groups gnomAD compares: Admixed American, 0.0017%; no homozygotes.

Submissions (2):

PreventionGenetics, part of Exact Sciences
Classification: Likely benign for RELN-related condition. Last evaluated: 2024-12-12. Review status: criteria provided, single submitter. Criteria: ACMG Guidelines, 2015. Collection method: clinical testing. Allele origin: germline.
Comment: This variant is classified as likely benign based on ACMG/AMP sequence variant interpretation guidelines (Richards et al. 2015 PMID: 25741868, with internal and published modifications).

Labcorp Genetics (formerly Invitae), Labcorp
Classification: Likely benign for Familial temporal lobe epilepsy 7; Norman-Roberts syndrome. Last evaluated: 2021-11-06. Review status: criteria provided, single submitter. Criteria: Invitae Variant Classification Sherloc (09022015). Collection method: clinical testing. Allele origin: germline.